The following is an entry in ClinVar:

NM_015450.3(POT1):c.557G>C (p.Gly186Ala)

Gene: POT1 (protection of telomeres 1; minus strand). Cytogenetic location: 7q31.33.
Variant type: single nucleotide variant.
Coding change: c.557G>C on transcript NM_015450.3 (MANE Select); coding-DNA position 557, G replaced by C.
Protein change: p.Gly186Ala; replaces glycine 186 with alanine.
Molecular consequence: missense variant. On other transcripts: non-coding transcript variant (3).
Genome position (GRCh38, 1-based): chr7:124,859,102, C>G on the plus strand (G>C on the coding strand, the complement: POT1 is on the minus strand). VCF-style: chr7-124859102-C-G. GRCh37 (hg19) VCF-style: chr7-124499156-C-G.
Other names: c.557G>C (NM_015450.2); c.164G>C, p.Gly55Ala (NM_001042594.2); short protein forms G186A, G55A.
Identifiers: ClinVar variation 1968167 (VCV001968167.6), dbSNP rs1205880072, ClinGen allele CA369056810.

ClinVar aggregate classification (germline): Uncertain significance. Review status: criteria provided, multiple submitters, no conflicts (2 of 4 stars). 2 submissions from 2 submitters: Uncertain significance (2). Last evaluated 2025-09-20.

Conditions:
Tumor predisposition syndrome 3 (TPDS3). Also called: LONG TELOMERE SYNDROME, POT1-RELATED; POT1 Tumor Predisposition; Melanoma, cutaneous malignant, susceptibility to, 10; Glioma susceptibility 9. Identifiers: Orphanet 618, MedGen C4014476, MONDO:0014368, OMIM 615848.
Hereditary cancer-predisposing syndrome. Also called: Hereditary neoplastic syndrome; Neoplastic Syndromes, Hereditary; Tumor predisposition; Hereditary Cancer Syndrome. Identifiers: Orphanet 140162, MedGen C0027672, MeSH D009386, MONDO:0015356.

Submissions (2):

Ambry Genetics
Classification: Uncertain significance for Hereditary cancer-predisposing syndrome. Last evaluated: 2025-09-20. Review status: criteria provided, single submitter. Criteria: Ambry Variant Classification Scheme 2023. Collection method: clinical testing. Allele origin: germline.
Comment: The p.G186A variant (also known as c.557G>C), located in coding exon 5 of the POT1 gene, results from a G to C substitution at nucleotide position 557. The glycine at codon 186 is replaced by alanine, an amino acid with similar properties. This amino acid position is conserved. In addition, this alteration is predicted to be deleterious by in silico analysis. Based on the available evidence, the clinical significance of this variant remains unclear.

Labcorp Genetics (formerly Invitae), Labcorp
Classification: Uncertain significance for Tumor predisposition syndrome 3. Last evaluated: 2025-09-20. Review status: criteria provided, single submitter. Criteria: Invitae Variant Classification Sherloc (09022015). Collection method: clinical testing. Allele origin: germline.
Comment: This sequence change replaces glycine, which is neutral and non-polar, with alanine, which is neutral and non-polar, at codon 186 of the POT1 protein (p.Gly186Ala). This variant is not present in population databases (gnomAD no frequency). This variant has not been reported in the literature in individuals affected with POT1-related conditions. ClinVar contains an entry for this variant (Variation ID: 1968167). Invitae Evidence Modeling of protein sequence and biophysical properties (such as structural, functional, and spatial information, amino acid conservation, physicochemical variation, residue mobility, and thermodynamic stability) indicates that this missense variant is not expected to disrupt POT1 protein function with a negative predictive value of 80%. In summary, the available evidence is currently insufficient to determine the role of this variant in disease. Therefore, it has been classified as a Variant of Uncertain Significance.